The following is an entry in ClinVar:

ClinVar aggregate classification (germline): Likely benign. Review status: criteria provided, multiple submitters, no conflicts (2 of 4 stars). 5 submissions from 5 submitters: Likely benign (3). 2 of the submissions do not count toward it. Last evaluated 2025-09-10.

Conditions:
ARID1B-Related Disorder. Identifiers: MedGen CN381337.
Intellectual disability. Also called: intellectual disabilities; Intellectual developmental disorder; Intellectual functioning disability. Identifiers: MedGen C3714756, MeSH D008607, MONDO:0001071, HP:0001249.
Inborn genetic diseases. Identifiers: MedGen C0950123, MeSH D030342.

Submissions (5):

Labcorp Genetics (formerly Invitae), Labcorp
Classification: Likely benign. Last evaluated: 2025-09-10. Review status: criteria provided, single submitter. Criteria: Invitae Variant Classification Sherloc (09022015). Collection method: clinical testing. Allele origin: germline.

Blueprint Genetics
Classification: Likely benign. Last evaluated: 2024-07-18. Review status: criteria provided, single submitter. Criteria: ACMG Guidelines, 2015. Collection method: clinical testing. Allele origin: germline.

Ambry Genetics
Classification: Likely benign for Inborn genetic diseases. Last evaluated: 2016-10-07. Review status: criteria provided, single submitter. Criteria: Ambry Variant Classification Scheme 2023. Collection method: clinical testing. Allele origin: germline.

PreventionGenetics, part of Exact Sciences
Classification: Likely benign for ARID1B-related condition. Last evaluated: 2024-03-04. Review status: no assertion criteria provided. Collection method: clinical testing. Allele origin: germline. Not counted in ClinVar's aggregate classification.
Comment: This variant is classified as likely benign based on ACMG/AMP sequence variant interpretation guidelines (Richards et al. 2015 PMID: 25741868, with internal and published modifications).

Centre de Biologie Pathologie Génétique, Centre Hospitalier Universitaire de Lille
Classification: Likely benign for Intellectual disability. Last evaluated: 2019-01-01. Review status: no assertion criteria provided. Collection method: clinical testing. Allele origin: inherited. Affected: yes. Not counted in ClinVar's aggregate classification.

NM_001374828.1(ARID1B):c.591GCA[5] (p.Gln213_Gln214del)

Genes: ARID1B (AT-rich interaction domain 1B; plus strand), LOC115308161 (uncharacterized LOC115308161; minus strand). Cytogenetic location: 6q25.3.
Variant type: Microsatellite.
Coding change: c.591GCA[5] on transcript NM_001374828.1 (MANE Select); five copies in a row of the 3-base unit GCA starting at c.591; the reference has seven copies in a row; two copies, 6 bases deleted.
Protein change: p.Gln213_Gln214del.
Molecular consequence: inframe deletion. On other transcripts: non-coding transcript variant (1).
Genome position (GRCh38, 1-based): chr6:156,778,286-156,778,291, GCAGCA deleted; deleting any 6 consecutive bases within chr6:156,778,269-156,778,291 gives the same sequence; the position shown is the placement nearest the transcript's 3' end. VCF-style (leftmost placement, unchanged base first): chr6-156778268-CCAGCAG-C. GRCh37 (hg19) VCF-style: chr6-157099402-CCAGCAG-C.
Other names: c.357_362delGCAGCA (NM_020732.3); c.357_362del (NM_020732.3); c.357_362del6 (NM_020732.3); c.591GCA[5], p.Gln213_Gln214del (NM_001371656.1, NM_001374820.1, NM_017519.3).
Identifiers: ClinVar variation 588319 (VCV000588319.13), dbSNP rs587779743, ClinGen allele CA571907135.